The following is an entry in ClinVar:

NM_001122955.4(BSCL2):c.1168G>C (p.Glu390Gln)

Genes: BSCL2 (BSCL2 lipid droplet biogenesis associated, seipin; minus strand), HNRNPUL2-BSCL2 (HNRNPUL2-BSCL2 readthrough (NMD candidate); minus strand). Cytogenetic location: 11q12.3.
Variant type: single nucleotide variant.
Coding change: c.1168G>C on transcript NM_001122955.4 (MANE Select); coding-DNA position 1168, G replaced by C.
Protein change: p.Glu390Gln; replaces glutamic acid 390 with glutamine.
Molecular consequence: missense variant. On other transcripts: non-coding transcript variant (1), synonymous variant (1).
Genome position (GRCh38, 1-based): chr11:62,690,678, C>G on the plus strand (G>C on the coding strand, the complement: BSCL2 is on the minus strand). VCF-style: chr11-62690678-C-G. GRCh37 (hg19) VCF-style: chr11-62458150-C-G.
Other names: c.834G>C, p.Pro278= (NM_001130702.2); c.1174G>C, p.Glu392Gln (NM_001386027.1); c.1168G>C, p.Glu390Gln (NM_001386028.1); c.976G>C, p.Glu326Gln (NM_032667.6); short protein forms E326Q, E390Q, E392Q.
Identifiers: ClinVar variation 2136318 (VCV002136318.4), dbSNP rs141518903, ClinGen allele CA380955878.

ClinVar aggregate classification (germline): Uncertain significance (1 of 4 stars; one submission).

Conditions:
Charcot-Marie-Tooth disease type 2. Also called: Charcot-Marie-Tooth type 2. Identifiers: Orphanet 64746, MedGen C0270914, MONDO:0018993.

Submission:

Labcorp Genetics (formerly Invitae), Labcorp
Classification: Uncertain significance for Charcot-Marie-Tooth disease type 2. Last evaluated: 2022-04-04. Review status: criteria provided, single submitter. Criteria: Invitae Variant Classification Sherloc (09022015). Collection method: clinical testing. Allele origin: germline.
Comment: This variant has not been reported in the literature in individuals affected with BSCL2-related conditions. In summary, the available evidence is currently insufficient to determine the role of this variant in disease. Therefore, it has been classified as a Variant of Uncertain Significance. Algorithms developed to predict the effect of missense changes on protein structure and function (SIFT, PolyPhen-2, Align-GVGD) all suggest that this variant is likely to be tolerated. This variant is present in population databases (no rsID available, gnomAD 0.007%). This sequence change replaces glutamic acid, which is acidic and polar, with glutamine, which is neutral and polar, at codon 326 of the BSCL2 protein (p.Glu326Gln).